The following is an entry in ClinVar:

ClinVar aggregate classification (germline): Uncertain significance (1 of 4 stars; one submission).

Submission:

GeneDx
Classification: Uncertain significance. Last evaluated: 2023-12-11. Review status: criteria provided, single submitter. Criteria: GeneDx Variant Classification Process June 2021. Collection method: clinical testing. Allele origin: germline. Affected: yes.
Comment: Not observed at significant frequency in large population cohorts (gnomAD); In silico analysis supports that this missense variant has a deleterious effect on protein structure/function; Has not been previously published as pathogenic or benign to our knowledge

NM_031407.7(HUWE1):c.10790G>C (p.Gly3597Ala)

Gene: HUWE1 (HECT, UBA and WWE domain containing E3 ubiquitin protein ligase 1; minus strand). Cytogenetic location: Xp11.22.
Variant type: single nucleotide variant.
Coding change: c.10790G>C on transcript NM_031407.7 (MANE Select); coding-DNA position 10790, G replaced by C.
Protein change: p.Gly3597Ala; replaces glycine 3597 with alanine.
Molecular consequence: missense variant.
Genome position (GRCh38, 1-based): chrX:53,546,561, C>G on the plus strand (G>C on the coding strand, the complement: HUWE1 is on the minus strand). VCF-style: chrX-53546561-C-G. GRCh37 (hg19) VCF-style: chrX-53573522-C-G.
Other names: short protein forms G3597A.
Identifiers: ClinVar variation 3252571 (VCV003252571.1), dbSNP rs2523010731.